The following is an entry in ClinVar:

NM_000443.4(ABCB4):c.2285G>A (p.Gly762Glu)

Gene: ABCB4 (ATP binding cassette subfamily B member 4; minus strand). Cytogenetic location: 7q21.12.
Variant type: single nucleotide variant.
Coding change: c.2285G>A on transcript NM_000443.4 (MANE Select); coding-DNA position 2285, G replaced by A.
Protein change: p.Gly762Glu; replaces glycine 762 with glutamic acid.
Molecular consequence: missense variant.
Genome position (GRCh38, 1-based): chr7:87,422,152, C>T on the plus strand (G>A on the coding strand, the complement: ABCB4 is on the minus strand). VCF-style: chr7-87422152-C-T. GRCh37 (hg19) VCF-style: chr7-87051468-C-T.
Other names: c.2285G>A, p.Gly762Glu (NM_018849.3, NM_018850.3); short protein forms G762E.
Identifiers: ClinVar variation 4846480 (VCV004846480.1).

ClinVar aggregate classification (germline): Uncertain significance (1 of 4 stars; one submission).

Conditions:
Familial intrahepatic cholestasis. Identifiers: Orphanet 284385, MedGen CN296401, MONDO:0017290.

Submission:

Genomenon, Inc
Classification: Uncertain significance for Familial intrahepatic cholestasis. Last evaluated: 2026-04-14. Review status: criteria provided, single submitter. Criteria: Genomenon Sequence Variant Interpretation Standards - Updated. Collection method: curation. Allele origin: germline. Affected: yes.
Comment: ABCB4 p.Gly762Glu (c.2285G>A) is a missense variant that changes the amino acid at residue 762 from Glycine to Glutamic acid. This variant has been observed in at least one proband with an ABCB4-related disorder (PMID:15077010). It is absent or not present at a significant frequency in gnomAD. In silico models predict that this variant is possibly or probably damaging. In conclusion, we classify ABCB4 p.Gly762Glu (c.2285G>A) as a variant of uncertain significance.

Literature cited by the submitters: PubMed 15077010.